The following is an entry in ClinVar:

NM_000537.4(REN):c.249+1G>A

Gene: REN (renin; minus strand). Cytogenetic location: 1q32.1.
Variant type: single nucleotide variant.
Coding change: c.249+1G>A on transcript NM_000537.4 (MANE Select); the canonical splice donor site of the intron after coding-DNA position 249, G replaced by A.
Molecular consequence: splice donor variant.
Genome position (GRCh38, 1-based): chr1:204,162,012, C>T on the plus strand (G>A on the coding strand, the complement: REN is on the minus strand). VCF-style: chr1-204162012-C-T. GRCh37 (hg19) VCF-style: chr1-204131140-C-T.
Identifiers: ClinVar variation 1067090 (VCV001067090.12), dbSNP rs756544334, ClinGen allele CA1345017.

ClinVar aggregate classification (germline): Pathogenic/Likely pathogenic. Review status: criteria provided, multiple submitters, no conflicts (2 of 4 stars). 4 submissions from 4 submitters: Pathogenic (1); Likely pathogenic (3). Last evaluated 2024-06-20.

Conditions:
Familial juvenile hyperuricemic nephropathy type 2 (ADTKD4). Also called: Autosomal Dominant Tubulointerstitial Kidney Disease – REN; EARLY-ONSET HYPERURICEMIA, ANEMIA, AND PROGRESSIVE KIDNEY FAILURE. Identifiers: Orphanet 217330, MedGen C2751310, MONDO:0013128, OMIM 613092.
Renal tubular dysgenesis of genetic origin. Also called: PRIMITIVE RENAL TUBULE SYNDROME. Identifiers: Orphanet 97369, MedGen C5681536, MONDO:0009970, OMIM 267430.
REN-related disorder. Also called: REN-related condition.

Allele frequency attached by ClinVar (database versions not stated): ExAC 0.00001; gnomAD 0.00001; gnomAD exomes 0.00002; TOPMed 0.00002.
gnomAD v4.1: 33 of 1,614,070 alleles (0.002%); highest among the groups gnomAD compares: African/African-American, 0.004%; no homozygotes.

Submissions (4):

Fulgent Genetics
Classification: Likely pathogenic for Renal tubular dysgenesis of genetic origin; Familial juvenile hyperuricemic nephropathy type 2. Last evaluated: 2024-06-20. Review status: criteria provided, single submitter. Criteria: ACMG Guidelines, 2015. Collection method: clinical testing. Allele origin: germline.

Blueprint Genetics
Classification: Likely pathogenic for REN-related disorders. Last evaluated: 2023-03-29. Review status: criteria provided, single submitter. Criteria: ACMG Guidelines, 2015. Collection method: clinical testing. Allele origin: germline. Affected: yes. Observed: 2 variant alleles.

Department of Pathology and Laboratory Medicine, Sinai Health System
Classification: Pathogenic for familial juvenile hyperuricemic nephropathy type 2. Last evaluated: 2020-08-06. Review status: criteria provided, single submitter. Criteria: ACMG Guidelines, 2015. Collection method: research. Allele origin: germline.

Labcorp Genetics (formerly Invitae), Labcorp
Classification: Likely pathogenic. Last evaluated: 2020-04-09. Review status: criteria provided, single submitter. Criteria: Invitae Variant Classification Sherloc (09022015). Collection method: clinical testing. Allele origin: germline.
Comment: In summary, the currently available evidence indicates that the variant is pathogenic, but additional data are needed to prove that conclusively. Therefore, this variant has been classified as Likely Pathogenic. Donor and acceptor splice site variants typically lead to a loss of protein function (PMID: 16199547), and loss-of-function variants in REN are known to be pathogenic (PMID: 16116425, 22095942). This variant has been reported to be homozygous in an individual affected with renal tubular dysgenesis (PMID: 22095942). This variant is present in population databases (rs756544334, ExAC 0.002%). This sequence change affects a donor splice site in intron 2 of the REN gene. It is expected to disrupt RNA splicing and likely results in an absent or disrupted protein product.

Literature cited by the submitters: PubMed 16199547 (cited by Labcorp Genetics (formerly Invitae), Labcorp); PubMed 16116425 (cited by Labcorp Genetics (formerly Invitae), Labcorp); PubMed 22095942 (cited by Labcorp Genetics (formerly Invitae), Labcorp).